The following is an entry in ClinVar:

ClinVar aggregate classification (germline): Conflicting classifications of pathogenicity. Review status: criteria provided, conflicting classifications (1 of 4 stars). 5 submissions from 5 submitters: Uncertain significance (2); Benign (1); Likely benign (2). Last evaluated 2024-08-07.

Allele frequency attached by ClinVar (database versions not stated): TOPMed 0.00002.
gnomAD v4.1: 45 of 1,209,619 alleles (0.0037%); highest among the groups gnomAD compares: Middle Eastern, 0.11%; no homozygotes.

Submissions (5):

Blueprint Genetics
Classification: Likely benign. Last evaluated: 2024-08-07. Review status: criteria provided, single submitter. Criteria: ACMG Guidelines, 2015. Collection method: clinical testing. Allele origin: germline.

Labcorp Genetics (formerly Invitae), Labcorp
Classification: Benign. Last evaluated: 2023-02-09. Review status: criteria provided, single submitter. Criteria: Invitae Variant Classification Sherloc (09022015). Collection method: clinical testing. Allele origin: germline.

CeGaT Center for Human Genetics Tuebingen
Classification: Uncertain significance. Last evaluated: 2018-06-01. Review status: criteria provided, single submitter. Criteria: CeGaT Center For Human Genetics Tuebingen Variant Classification Criteria Version 2. Collection method: clinical testing. Allele origin: germline. Affected: yes. Observed: 1 variant allele.

GeneDx
Classification: Likely benign. Last evaluated: 2016-12-07. Review status: criteria provided, single submitter. Criteria: GeneDx Variant Classification (06012015). Collection method: clinical testing. Allele origin: germline. Affected: yes.
Comment: This variant is considered likely benign or benign based on one or more of the following criteria: it is a conservative change, it occurs at a poorly conserved position in the protein, it is predicted to be benign by multiple in silico algorithms, and/or has population frequency not consistent with disease.

Eurofins Ntd Llc (ga)
Classification: Uncertain significance. Last evaluated: 2015-06-02. Review status: criteria provided, single submitter. Criteria: EGL Classification Definitions 2015. Collection method: clinical testing. Allele origin: germline. Observed: 2 variant alleles, 1 heterozygote, 1 hemizygote.

NM_015922.3(NSDHL):c.842G>A (p.Arg281His)

Gene: NSDHL (NAD(P) dependent 3-beta-hydroxysteroid dehydrogenase NSDHL; plus strand). Cytogenetic location: Xq28.
Variant type: single nucleotide variant.
Coding change: c.842G>A on transcript NM_015922.3 (MANE Select); coding-DNA position 842, G replaced by A.
Protein change: p.Arg281His; replaces arginine 281 with histidine.
Molecular consequence: missense variant.
Genome position (GRCh38, 1-based): chrX:152,868,836, G>A. VCF-style: chrX-152868836-G-A. GRCh37 (hg19) VCF-style: chrX-152037380-G-A.
Other names: c.842G>A, p.Arg281His (NM_001129765.2); short protein forms R281H.
Identifiers: ClinVar variation 198879 (VCV000198879.53), dbSNP rs782143078, ClinGen allele CA247743.